The following is an entry in ClinVar:

ClinVar aggregate classification (germline): Uncertain significance (1 of 4 stars; one submission).

Submission:

GeneDx
Classification: Uncertain significance. Last evaluated: 2023-03-21. Review status: criteria provided, single submitter. Criteria: GeneDx Variant Classification Process June 2021. Collection method: clinical testing. Allele origin: germline. Affected: yes.
Comment: Not observed at significant frequency in large population cohorts (gnomAD); In silico analysis supports that this variant does not alter splicing; Has not been previously published as pathogenic or benign to our knowledge; Reported using an alternate transcript of the gene

NM_001330078.2(NRXN1):c.3365-109746A>G

Gene: NRXN1 (neurexin 1; minus strand). Cytogenetic location: 2p16.3.
Variant type: single nucleotide variant.
Coding change: c.3365-109746A>G on transcript NM_001330078.2 (MANE Select); 109746 bases into the intron before coding-DNA position 3365, A replaced by G.
Molecular consequence: intron variant. On other transcripts: synonymous variant (4).
Genome position (GRCh38, 1-based): chr2:50,346,716, T>C on the plus strand (A>G on the coding strand, the complement: NRXN1 is on the minus strand). VCF-style: chr2-50346716-T-C. GRCh37 (hg19) VCF-style: chr2-50573854-T-C.
Other names: c.234A>G, p.Ser78= (NM_001330091.2, NM_001330092.2, NM_001330097.2 and 1 more transcripts); c.3254-109746A>G (NM_001330096.2, NM_001330087.2); c.3299-109746A>G (NM_001330083.2, NM_001330084.2); c.3284-109746A>G (NM_001330088.2); c.3362-109746A>G (NM_001330093.2); c.3353-109746A>G (NM_001330094.2); c.3314-109746A>G (NM_001330095.2); c.3341-109746A>G (NM_001330082.2, NM_001330077.2); and 3 more.
Identifiers: ClinVar variation 2580751 (VCV002580751.1), dbSNP rs2467365496, ClinGen allele CA2580618152.